The following is an entry in ClinVar:

ClinVar aggregate classification (germline): Uncertain significance. Review status: criteria provided, multiple submitters, no conflicts (2 of 4 stars). 3 submissions from 3 submitters: Uncertain significance (3). Last evaluated 2025-09-24.

Conditions:
Glycogen storage disease, type IV (GSD4). Also called: Glycogen storage disease due to glycogen branching enzyme deficiency; AMYLOPECTINOSIS; ANDERSEN DISEASE; BRANCHER DEFICIENCY; CIRRHOSIS, FAMILIAL, WITH DEPOSITION OF ABNORMAL GLYCOGEN; GBE1 DEFICIENCY. Identifiers: OMIM 232500, Orphanet 367, MedGen C0017923, MONDO:0009292.
Glycogen storage disease IV, classic hepatic. Also called: GSD IV, CLASSIC HEPATIC. Identifiers: MedGen C1856301.
Inborn genetic diseases. Identifiers: MedGen C0950123, MeSH D030342.

Allele frequency attached by ClinVar (database versions not stated): gnomAD 0.00001; ESP Exome Variant Server 0.00008.
gnomAD v4.1: 35 of 1,589,810 alleles (0.0022%); highest among the groups gnomAD compares: Non-Finnish European, 0.0027%; no homozygotes.

Submissions (3):

Mayo Clinic Laboratories, Mayo Clinic
Classification: Uncertain significance. Last evaluated: 2025-09-24. Review status: criteria provided, single submitter. Criteria: ACMG Guidelines, 2015. Collection method: clinical testing. Allele origin: germline. Observed: 1 variant allele.
Comment: BP4_moderate

Ambry Genetics
Classification: Uncertain significance for Inborn genetic diseases. Last evaluated: 2024-03-12. Review status: criteria provided, single submitter. Criteria: Ambry Variant Classification Scheme 2023. Collection method: clinical testing. Allele origin: germline.

Labcorp Genetics (formerly Invitae), Labcorp
Classification: Uncertain significance for Glycogen storage disease, type IV; Glycogen storage disease IV, classic hepatic. Last evaluated: 2021-08-31. Review status: criteria provided, single submitter. Criteria: Invitae Variant Classification Sherloc (09022015). Collection method: clinical testing. Allele origin: germline.

NM_000158.4(GBE1):c.200A>G (p.Asp67Gly)

Gene: GBE1 (1,4-alpha-glucan branching enzyme 1; minus strand). Cytogenetic location: 3p12.2.
Variant type: single nucleotide variant.
Coding change: c.200A>G on transcript NM_000158.4 (MANE Select); coding-DNA position 200, A replaced by G.
Protein change: p.Asp67Gly; replaces aspartic acid 67 with glycine.
Molecular consequence: missense variant.
Genome position (GRCh38, 1-based): chr3:81,705,557, T>C on the plus strand (A>G on the coding strand, the complement: GBE1 is on the minus strand). VCF-style: chr3-81705557-T-C. GRCh37 (hg19) VCF-style: chr3-81754708-T-C.
Other names: p.Asp67Gly; c.200A>G (NM_000158.3); short protein forms D67G.
Identifiers: ClinVar variation 1402457 (VCV001402457.5), dbSNP rs368256869, ClinGen allele CA2500035.
Genomic context (GRCh38, chr3:81,705,557, plus strand): 5'-TATAAACCACCATCAGCACATCTGTGGACGCCAAATGATTCATAGCCTCTGGAAAACTTA[T>C]CAATACCACCTTCATTTTCTCCAATGTTCTTCAAAATTTGGCTAAACTGCTTATACCTTT-3'
Protein context (NP_000149.4, residues 57-77): KNIGENEGGI[Asp67Gly]KFSRGYESFG